The following is an entry in ClinVar:

ClinVar aggregate classification (germline): Uncertain significance. Review status: criteria provided, multiple submitters, no conflicts (2 of 4 stars). 2 submissions from 2 submitters: Uncertain significance (2). Last evaluated 2025-09-15.

gnomAD v4.1: 5 of 1,587,630 alleles (0.00031%); highest among the groups gnomAD compares: South Asian, 0.0011%; no homozygotes.

Submissions (2):

Labcorp Genetics (formerly Invitae), Labcorp
Classification: Uncertain significance. Last evaluated: 2025-09-15. Review status: criteria provided, single submitter. Criteria: Invitae Variant Classification Sherloc (09022015). Collection method: clinical testing. Allele origin: germline.
Comment: This sequence change replaces arginine, which is basic and polar, with histidine, which is basic and polar, at codon 94 of the PLEKHM2 protein (p.Arg94His). The frequency data for this variant in the population databases is considered unreliable, as metrics indicate poor data quality at this position in the gnomAD database. This variant has not been reported in the literature in individuals affected with PLEKHM2-related conditions. ClinVar contains an entry for this variant (Variation ID: 3420694). An algorithm developed to predict the effect of missense changes on protein structure and function (PolyPhen-2) suggests that this variant is likely to be disruptive. In summary, the available evidence is currently insufficient to determine the role of this variant in disease. Therefore, it has been classified as a Variant of Uncertain Significance.

Ambry Genetics
Classification: Uncertain significance. Last evaluated: 2024-09-25. Review status: criteria provided, single submitter. Criteria: Ambry Variant Classification Scheme 2023. Collection method: clinical testing. Allele origin: germline.

NM_015164.4(PLEKHM2):c.281G>A (p.Arg94His)

Gene: PLEKHM2 (pleckstrin homology and RUN domain containing M2; plus strand). Cytogenetic location: 1p36.21.
Variant type: single nucleotide variant.
Coding change: c.281G>A on transcript NM_015164.4 (MANE Select); coding-DNA position 281, G replaced by A.
Protein change: p.Arg94His; replaces arginine 94 with histidine.
Molecular consequence: missense variant.
Genome position (GRCh38, 1-based): chr1:15,717,896, G>A. VCF-style: chr1-15717896-G-A. GRCh37 (hg19) VCF-style: chr1-16044391-G-A.
Other names: c.281G>A, p.Arg94His (NM_001410755.1); short protein forms R94H.
Identifiers: ClinVar variation 3420694 (VCV003420694.2).